The following is an entry in ClinVar:

NM_001164508.2(NEB):c.24207G>A (p.Ser8069=)

Genes: NEB (nebulin; minus strand), RIF1 (replication timing regulatory factor 1; plus strand). Cytogenetic location: 2q23.3.
Variant type: single nucleotide variant.
Coding change: c.24207G>A on transcript NM_001164508.2 (MANE Select); coding-DNA position 24207, G replaced by A.
Protein change: p.Ser8069=; no amino-acid change (serine 8069 retained).
Molecular consequence: synonymous variant. On other transcripts: intron variant (1).
Genome position (GRCh38, 1-based): chr2:151,498,260, C>T on the plus strand (G>A on the coding strand, the complement: NEB is on the minus strand). VCF-style: chr2-151498260-C-T. GRCh37 (hg19) VCF-style: chr2-152354774-C-T.
Other names: c.24207G>A, p.Ser8069= (NM_001164507.2); c.24312G>A, p.Ser8104= (NM_001271208.2); c.18826-1892G>A (NM_004543.5).
Identifiers: ClinVar variation 558507 (VCV000558507.8), dbSNP rs763193315, ClinGen allele CA1906140.

ClinVar aggregate classification (germline): Uncertain significance. Review status: criteria provided, single submitter (1 of 4 stars). 3 submissions from 3 submitters: Uncertain significance (1). 2 of the submissions do not count toward it. Last evaluated 2022-07-06.

Conditions:
Nemaline myopathy 2 (NEM2). Also called: Nemaline myopathy 2, autosomal recessive. Identifiers: MedGen C1850569, MONDO:0009725, OMIM 256030.
NEB-related disorder. Also called: NEB-related condition; NEB-Related Disorders.

Allele frequency attached by ClinVar (database versions not stated): ExAC 0.00005; gnomAD exomes 0.00001; TOPMed 0.00002.
gnomAD v4.1: 30 of 1,550,934 alleles (0.0019%); highest among the groups gnomAD compares: East Asian, 0.0024%; no homozygotes.

Submissions (3):

Labcorp Genetics (formerly Invitae), Labcorp
Classification: Uncertain significance for Nemaline myopathy 2. Last evaluated: 2022-07-06. Review status: criteria provided, single submitter. Criteria: Invitae Variant Classification Sherloc (09022015). Collection method: clinical testing. Allele origin: germline.
Comment: This sequence change affects codon 8104 of the NEB mRNA. It is a 'silent' change, meaning that it does not change the encoded amino acid sequence of the NEB protein. This variant also falls at the last nucleotide of exon 171, which is part of the consensus splice site for this exon. This variant is present in population databases (rs763193315, gnomAD 0.002%). This variant has not been reported in the literature in individuals affected with NEB-related conditions. ClinVar contains an entry for this variant (Variation ID: 558507). Variants that disrupt the consensus splice site are a relatively common cause of aberrant splicing (PMID: 17576681, 9536098). Algorithms developed to predict the effect of sequence changes on RNA splicing suggest that this variant may disrupt the consensus splice site. In summary, the available evidence is currently insufficient to determine the role of this variant in disease. Therefore, it has been classified as a Variant of Uncertain Significance.

PreventionGenetics, part of Exact Sciences
Classification: Likely benign for NEB-related condition. Last evaluated: 2019-07-02. Review status: no assertion criteria provided. Collection method: clinical testing. Allele origin: germline. Not counted in ClinVar's aggregate classification.
Comment: This variant is classified as likely benign based on ACMG/AMP sequence variant interpretation guidelines (Richards et al. 2015 PMID: 25741868, with internal and published modifications).

Counsyl
Classification: Likely benign for Nemaline myopathy 2. Last evaluated: 2018-05-24. Review status: no assertion criteria provided. Collection method: clinical testing. Allele origin: unknown. Not counted in ClinVar's aggregate classification.

Literature cited by the submitters: PubMed 17576681 (cited by Labcorp Genetics (formerly Invitae), Labcorp); PubMed 9536098 (cited by Labcorp Genetics (formerly Invitae), Labcorp).